The following is an entry in ClinVar:

NM_003924.4(PHOX2B):c.*80G>A

Gene: PHOX2B (paired like homeobox 2B; minus strand). Cytogenetic location: 4p13.
Variant type: single nucleotide variant.
Coding change: c.*80G>A on transcript NM_003924.4 (MANE Select); 80 bases downstream of the stop codon, G replaced by A.
Molecular consequence: 3 prime UTR variant.
Genome position (GRCh38, 1-based): chr4:41,745,727, C>T on the plus strand (G>A on the coding strand, the complement: PHOX2B is on the minus strand). VCF-style: chr4-41745727-C-T. GRCh37 (hg19) VCF-style: chr4-41747744-C-T.
Identifiers: ClinVar variation 348802 (VCV000348802.7), dbSNP rs75913938, ClinGen allele CA10618745.

ClinVar aggregate classification (germline): Benign/Likely benign. Review status: criteria provided, multiple submitters, no conflicts (2 of 4 stars). 3 submissions from 2 submitters: Benign (2); Likely benign (1). Last evaluated 2018-06-23.

Conditions:
Neuroblastoma, susceptibility to, 2. Identifiers: Orphanet 635, MedGen C2751682, MONDO:0700041, OMIM 613013.
Congenital central hypoventilation. Also called: Congenital Central Hypoventilation Syndrome. Identifiers: Orphanet 661, Orphanet 99803, MedGen C1275808, MONDO:0800031. Disease mechanism: gain of function.

Allele frequency attached by ClinVar (database versions not stated): gnomAD exomes 0.00048; gnomAD 0.00577 and 0.00612; 1000 Genomes Project 0.00599; TOPMed 0.00626; 1000 Genomes Project 30x 0.00640.

Submissions (3):

GeneDx
Classification: Likely benign. Last evaluated: 2018-06-23. Review status: criteria provided, single submitter. Criteria: GeneDx Variant Classification Process June 2021. Collection method: clinical testing. Allele origin: germline. Affected: yes.

Illumina Laboratory Services, Illumina
Classification: Benign for Central hypoventilation syndrome, congenital, 1, with or without Hirschsprung disease. Last evaluated: 2018-01-12. Review status: criteria provided, single submitter. Criteria: ICSL Variant Classification Criteria 13 December 2019. Collection method: clinical testing. Allele origin: germline.
Comment: This variant was observed in the ICSL laboratory as part of a predisposition screen in an ostensibly healthy population. It had not been previously curated by ICSL or reported in the Human Gene Mutation Database (HGMD: prior to June 1st, 2018), and was therefore a candidate for classification through an automated scoring system. Utilizing variant allele frequency, disease prevalence and penetrance estimates, and inheritance mode, an automated score was calculated to assess if this variant is too frequent to cause the disease. Based on the score and internal cut-off values, a variant classified as benign is not then subjected to further curation. The score for this variant resulted in a classification of benign for this disease.

Illumina Laboratory Services, Illumina
Classification: Benign for Neuroblastoma, susceptibility to, 2. Last evaluated: 2018-01-12. Review status: criteria provided, single submitter. Criteria: ICSL Variant Classification Criteria 13 December 2019. Collection method: clinical testing. Allele origin: germline.
Comment: the same text as in the submission from Illumina Laboratory Services, Illumina above.